The following is an entry in ClinVar:

ClinVar aggregate classification (germline): Uncertain significance (1 of 4 stars; one submission).

Allele frequency attached by ClinVar (database versions not stated): gnomAD exomes 0.00001.
gnomAD v4.1: 4 of 1,613,472 alleles (0.00025%); highest among the groups gnomAD compares: Non-Finnish European, 0.00034%; no homozygotes.

Submission:

Labcorp Genetics (formerly Invitae), Labcorp
Classification: Uncertain significance. Last evaluated: 2023-11-21. Review status: criteria provided, single submitter. Criteria: Invitae Variant Classification Sherloc (09022015). Collection method: clinical testing. Allele origin: germline.
Comment: This sequence change replaces glutamic acid, which is acidic and polar, with lysine, which is basic and polar, at codon 431 of the P4HB protein (p.Glu431Lys). This variant is not present in population databases (gnomAD no frequency). This variant has not been reported in the literature in individuals affected with P4HB-related conditions. Advanced modeling of protein sequence and biophysical properties (such as structural, functional, and spatial information, amino acid conservation, physicochemical variation, residue mobility, and thermodynamic stability) performed at Invitae indicates that this missense variant is expected to disrupt P4HB protein function with a positive predictive value of 80%. Experimental studies have shown that this missense change affects P4HB function (PMID: 25084354). In summary, the available evidence is currently insufficient to determine the role of this variant in disease. Therefore, it has been classified as a Variant of Uncertain Significance.

Literature cited by the submitters: PubMed 25084354.

NM_000918.4(P4HB):c.1291G>A (p.Glu431Lys)

Gene: P4HB (prolyl 4-hydroxylase subunit beta; minus strand). Cytogenetic location: 17q25.3.
Variant type: single nucleotide variant.
Coding change: c.1291G>A on transcript NM_000918.4 (MANE Select); coding-DNA position 1291, G replaced by A.
Protein change: p.Glu431Lys; replaces glutamic acid 431 with lysine.
Molecular consequence: missense variant.
Genome position (GRCh38, 1-based): chr17:81,845,629, C>T on the plus strand (G>A on the coding strand, the complement: P4HB is on the minus strand). VCF-style: chr17-81845629-C-T. GRCh37 (hg19) VCF-style: chr17-79803505-C-T.
Other names: short protein forms E431K.
Identifiers: ClinVar variation 2973686 (VCV002973686.3), dbSNP rs201920701, ClinGen allele CA295118341.
Genomic context (GRCh38, chr17:81,845,629, plus strand): 5'-CGGCACTGGCAGGAAAGAACTTGAGTGTGGGGAAGCTGTGCACTTTGACGGCCTCCACCT[C>T]GTTGGCAGTCGAGTCCATCTTGGCGATGACGATGTTCTCATGGTCCTTGTACGTCTCTCC-3'
Protein context (NP_000909.2, residues 421-441): VIAKMDSTAN[Glu431Lys]VEAVKVHSFP